The following is an entry in ClinVar:

NM_001366385.1(CARD14):c.1216C>A (p.Leu406Met)

Gene: CARD14 (caspase recruitment domain family member 14; plus strand). Cytogenetic location: 17q25.3.
Variant type: single nucleotide variant.
Coding change: c.1216C>A on transcript NM_001366385.1 (MANE Select); coding-DNA position 1216, C replaced by A.
Protein change: p.Leu406Met; replaces leucine 406 with methionine.
Molecular consequence: missense variant. On other transcripts: non-coding transcript variant (1).
Genome position (GRCh38, 1-based): chr17:80,191,449, C>A. VCF-style: chr17-80191449-C-A. GRCh37 (hg19) VCF-style: chr17-78165248-C-A.
Other names: c.1216C>A, p.Leu406Met (NM_001257970.1, NM_024110.4); c.505C>A, p.Leu169Met (NM_052819.3); short protein forms L169M, L406M.
Identifiers: ClinVar variation 2942303 (VCV002942303.3), dbSNP rs2040525941, ClinGen allele CA401346508.

ClinVar aggregate classification (germline): Uncertain significance (1 of 4 stars; one submission).

Conditions:
Psoriasis 2. Identifiers: MedGen C1864497, MONDO:0011269, OMIM 602723.
Pityriasis rubra pilaris (PRP). Also called: Pityriasis rubra pilaris--familial type. Identifiers: Orphanet 2897, MedGen C0032027, MONDO:0100017, OMIM 173200, MONDO:0008251.

Submission:

Labcorp Genetics (formerly Invitae), Labcorp
Classification: Uncertain significance for Pityriasis rubra pilaris; Psoriasis 2. Last evaluated: 2022-12-14. Review status: criteria provided, single submitter. Criteria: Invitae Variant Classification Sherloc (09022015). Collection method: clinical testing. Allele origin: germline.
Comment: Advanced modeling of protein sequence and biophysical properties (such as structural, functional, and spatial information, amino acid conservation, physicochemical variation, residue mobility, and thermodynamic stability) performed at Invitae indicates that this missense variant is not expected to disrupt CARD14 protein function. In summary, the available evidence is currently insufficient to determine the role of this variant in disease. Therefore, it has been classified as a Variant of Uncertain Significance. This variant has not been reported in the literature in individuals affected with CARD14-related conditions. This variant is not present in population databases (gnomAD no frequency). This sequence change replaces leucine, which is neutral and non-polar, with methionine, which is neutral and non-polar, at codon 406 of the CARD14 protein (p.Leu406Met).